The following is an entry in ClinVar:

NM_000238.4(KCNH2):c.1762A>G (p.Asn588Asp)

Gene: KCNH2 (potassium voltage-gated channel subfamily H member 2; minus strand). Cytogenetic location: 7q36.1.
Variant type: single nucleotide variant.
Coding change: c.1762A>G on transcript NM_000238.4 (MANE Select); coding-DNA position 1762, A replaced by G.
Protein change: p.Asn588Asp; replaces asparagine 588 with aspartic acid.
Molecular consequence: missense variant.
Genome position (GRCh38, 1-based): chr7:150,951,631, T>C on the plus strand (A>G on the coding strand, the complement: KCNH2 is on the minus strand). VCF-style: chr7-150951631-T-C. GRCh37 (hg19) VCF-style: chr7-150648719-T-C.
Other names: c.1762A>G (LRG_288t1); c.742A>G, p.Asn248Asp (NM_001204798.2, NM_172057.3); c.1474A>G, p.Asn492Asp (NM_001406753.1, NM_001406756.1); c.1585A>G, p.Asn529Asp (NM_001406755.1); c.1462A>G, p.Asn488Asp (NM_001406757.1); c.1762A>G, p.Asn588Asp (NM_172056.3); short protein forms N248D, N588D, N529D, N492D, N488D.
Identifiers: ClinVar variation 67266 (VCV000067266.9), dbSNP rs199473431, ClinGen allele CA005415.

ClinVar aggregate classification (germline): Conflicting classifications of pathogenicity. Review status: criteria provided, conflicting classifications (1 of 4 stars). 3 submissions from 3 submitters: Pathogenic (1); Uncertain significance (1). 1 of the submissions does not count toward it. Last evaluated 2022-08-23.

Conditions:
Familial long QT syndrome (RWS). Also called: Congenital long QT syndrome; Romano-Ward syndrome; VENTRICULAR FIBRILLATION WITH PROLONGED QT INTERVAL. Identifiers: Orphanet 768, MedGen C1141890, MONDO:0019171.
Long QT syndrome (LQTS). Identifiers: MedGen C0023976, MeSH D008133, MONDO:0002442. Disease mechanism: loss of function. Inheritance: Various modes of inheritance.

Submissions (3):

GeneDx
Classification: Pathogenic. Last evaluated: 2022-08-23. Review status: criteria provided, single submitter. Criteria: GeneDx Variant Classification Process June 2021. Collection method: clinical testing. Allele origin: germline. Affected: yes.
Comment: Not observed at significant frequency in large population cohorts (gnomAD); Published functional studies demonstrate a damaging effect as the N588D variant, located in the extracellular domain, causes deficient protein trafficking in the cell membrane that is correctable at lower temperatures (Anderson et al., 2012); In silico analysis supports that this missense variant has a deleterious effect on protein structure/function; This variant is associated with the following publications: (PMID: 19841300, 22949429, 9693036, 25417810, 15840476)

Labcorp Genetics (formerly Invitae), Labcorp
Classification: Uncertain significance for Long QT syndrome. Last evaluated: 2021-12-22. Review status: criteria provided, single submitter. Criteria: Invitae Variant Classification Sherloc (09022015). Collection method: clinical testing. Allele origin: germline.
Comment: This variant is not present in population databases (gnomAD no frequency). In summary, the available evidence is currently insufficient to determine the role of this variant in disease. Therefore, it has been classified as a Variant of Uncertain Significance. Experimental studies have shown that this missense change affects KCNH2 function (PMID: 25417810). Algorithms developed to predict the effect of missense changes on protein structure and function are either unavailable or do not agree on the potential impact of this missense change (SIFT: "Tolerated"; PolyPhen-2: "Possibly Damaging"; Align-GVGD: "Class C0"). ClinVar contains an entry for this variant (Variation ID: 67266). This missense change has been observed in individual(s) with long QT syndrome (PMID: 22949429). This sequence change replaces asparagine, which is neutral and polar, with aspartic acid, which is acidic and polar, at codon 588 of the KCNH2 protein (p.Asn588Asp).

Cardiovascular Biomedical Research Unit, Royal Brompton & Harefield NHS Foundation Trust
No classification provided. Condition: Familial long QT syndrome. Review status: no classification provided. Collection method: literature only. Allele origin: germline. Not counted in ClinVar's aggregate classification.
Comment: This variant has been reported as associated with Long QT syndrome in the following publications (PMID:9693036;PMID:15840476;PMID:19841300). This is a literature report, and does not necessarily reflect the clinical interpretation of the Imperial College / Royal Brompton Cardiovascular Genetics laboratory.

Literature cited by the submitters: PubMed 25417810 (cited by Labcorp Genetics (formerly Invitae), Labcorp); PubMed 22949429 (cited by Labcorp Genetics (formerly Invitae), Labcorp); PubMed 9693036 (cited by Cardiovascular Biomedical Research Unit, Royal Brompton & Harefield NHS Foundation Trust); PubMed 15840476 (cited by Cardiovascular Biomedical Research Unit, Royal Brompton & Harefield NHS Foundation Trust); PubMed 19841300 (cited by Cardiovascular Biomedical Research Unit, Royal Brompton & Harefield NHS Foundation Trust); PubMed 22581653 (cited by Cardiovascular Biomedical Research Unit, Royal Brompton & Harefield NHS Foundation Trust).